The following is an entry in ClinVar:

NM_032043.3(BRIP1):c.121C>G (p.His41Asp)

Gene: BRIP1 (BRCA1 interacting DNA helicase 1; minus strand). Cytogenetic location: 17q23.2.
Variant type: single nucleotide variant.
Coding change: c.121C>G on transcript NM_032043.3 (MANE Select); coding-DNA position 121, C replaced by G.
Protein change: p.His41Asp; replaces histidine 41 with aspartic acid.
Molecular consequence: missense variant.
Genome position (GRCh38, 1-based): chr17:61,859,880, G>C on the plus strand (C>G on the coding strand, the complement: BRIP1 is on the minus strand). VCF-style: chr17-61859880-G-C. GRCh37 (hg19) VCF-style: chr17-59937241-G-C.
Other names: short protein forms H41D.
Identifiers: ClinVar variation 928913 (VCV000928913.2), dbSNP rs770930270, ClinGen allele CA400485827.

ClinVar aggregate classification (germline): Uncertain significance (1 of 4 stars; one submission).

Submission:

Women's Health and Genetics/Laboratory Corporation of America, LabCorp
Classification: Uncertain significance. Last evaluated: 2026-04-28. Review status: criteria provided, single submitter. Criteria: LabCorp Variant Classification Summary - May 2015. Collection method: clinical testing. Allele origin: germline.
Comment: Variant summary: BRIP1 c.121C>G (p.His41Asp) results in a non-conservative amino acid change located in the Helicase superfamily 1/2, ATP-binding domain (IPR014001) of the encoded protein sequence. Algorithms developed to predict the effect of missense changes on protein structure and function are either unavailable or do not agree on the potential impact of this missense change. The variant was absent in 251386 control chromosomes. The available data on variant occurrences in the general population are insufficient to allow any conclusion about variant significance. To our knowledge, no occurrence of c.121C>G in individuals affected with BRIP1-related conditions and no experimental evidence demonstrating its impact on protein function have been reported. No submitters have cited clinical-significance assessments for this variant to ClinVar. Based on the evidence outlined above, the variant was classified as uncertain significance.